The following is an entry in ClinVar:

NM_001267550.2(TTN):c.15553G>A (p.Val5185Ile)

Gene: TTN (titin; minus strand). Cytogenetic location: 2q31.2.
Variant type: single nucleotide variant.
Coding change: c.15553G>A on transcript NM_001267550.2 (MANE Select); coding-DNA position 15553, G replaced by A.
Protein change: p.Val5185Ile; replaces valine 5185 with isoleucine.
Molecular consequence: missense variant. On other transcripts: intron variant (3).
Genome position (GRCh38, 1-based): chr2:178,733,836, C>T on the plus strand (G>A on the coding strand, the complement: TTN is on the minus strand). VCF-style: chr2-178733836-C-T. GRCh37 (hg19) VCF-style: chr2-179598563-C-T.
Other names: c.14602G>A, p.Val4868Ile (NM_001256850.1); c.11821G>A, p.Val3941Ile (NM_133378.4); c.13282+4246G>A (NM_003319.4); c.13858+4246G>A (NM_133437.4); c.13657+4246G>A (NM_133432.3); short protein forms V3941I, V4868I, V5185I.
Identifiers: ClinVar variation 1676420 (VCV001676420.5), dbSNP rs370535651, ClinGen allele CA2002202.

ClinVar aggregate classification (germline): Conflicting classifications of pathogenicity. Review status: criteria provided, conflicting classifications (1 of 4 stars). 3 submissions from 3 submitters: Uncertain significance (2); Likely benign (1). Last evaluated 2026-02-18.

Conditions:
TTN-related disorder. Also called: TTN-related disorders; TTN-related condition; TTN-related disease.

gnomAD v4.1: 65 of 1,613,262 alleles (0.004%); highest among the groups gnomAD compares: African/African-American, 0.035%; no homozygotes.

Submissions (3):

PreventionGenetics, part of Exact Sciences
Classification: Uncertain significance for TTN-related condition. Last evaluated: 2026-02-18. Review status: criteria provided, single submitter. Criteria: ACMG Guidelines, 2015. Collection method: clinical testing. Allele origin: germline.
Comment: The TTN c.15553G>A variant is predicted to result in the amino acid substitution p.Val5185Ile. To our knowledge, this variant has not been reported in the literature. This variant is reported in 0.054% of alleles in individuals of African descent in gnomAD. Although we suspect that this variant may be benign, at this time, the clinical significance of this variant is uncertain due to the absence of conclusive functional and genetic evidence.

Revvity Omics, Revvity
Classification: Uncertain significance. Last evaluated: 2022-04-07. Review status: criteria provided, single submitter. Criteria: ACMG Guidelines, 2015. Collection method: clinical testing. Allele origin: germline.

GeneDx
Classification: Likely benign. Last evaluated: 2021-10-06. Review status: criteria provided, single submitter. Criteria: GeneDx Variant Classification Process June 2021. Collection method: clinical testing. Allele origin: germline. Affected: yes.